The following is an entry in ClinVar:

ClinVar aggregate classification (germline): Uncertain significance (1 of 4 stars; one submission).

Conditions:
Joubert syndrome. Also called: CEREBELLOPARENCHYMAL DISORDER IV; JOUBERT-BOLTSHAUSER SYNDROME; Familial aplasia of the vermis. Identifiers: Orphanet 475, MedGen C5979921, MONDO:0018772.
Nephronophthisis. Also called: Juvenile Nephronophthisis. Identifiers: Orphanet 655, MedGen C0687120, MONDO:0019005, HP:0000090.
Meckel-Gruber syndrome. Also called: DYSENCEPHALIA SPLANCHNOCYSTICA; GRUBER SYNDROME; Dysencephalia splachnocystica. Identifiers: Orphanet 564, MedGen C0265215, MONDO:0018921.

Submission:

Labcorp Genetics (formerly Invitae), Labcorp
Classification: Uncertain significance for Joubert syndrome; Meckel-Gruber syndrome; Nephronophthisis. Last evaluated: 2023-07-17. Review status: criteria provided, single submitter. Criteria: Invitae Variant Classification Sherloc (09022015). Collection method: clinical testing. Allele origin: germline.
Comment: In summary, the available evidence is currently insufficient to determine the role of this variant in disease. Therefore, it has been classified as a Variant of Uncertain Significance. Advanced modeling of protein sequence and biophysical properties (such as structural, functional, and spatial information, amino acid conservation, physicochemical variation, residue mobility, and thermodynamic stability) performed at Invitae indicates that this missense variant is not expected to disrupt CEP290 protein function. ClinVar contains an entry for this variant (Variation ID: 1362129). This variant has not been reported in the literature in individuals affected with CEP290-related conditions. This variant is not present in population databases (gnomAD no frequency). This sequence change replaces proline, which is neutral and non-polar, with serine, which is neutral and polar, at codon 2044 of the CEP290 protein (p.Pro2044Ser).

NM_025114.4(CEP290):c.6130C>T (p.Pro2044Ser)

Gene: CEP290 (centrosomal protein 290; minus strand). Cytogenetic location: 12q21.32.
Variant type: single nucleotide variant.
Coding change: c.6130C>T on transcript NM_025114.4 (MANE Select); coding-DNA position 6130, C replaced by T.
Protein change: p.Pro2044Ser; replaces proline 2044 with serine.
Molecular consequence: missense variant.
Genome position (GRCh38, 1-based): chr12:88,068,527, G>A on the plus strand (C>T on the coding strand, the complement: CEP290 is on the minus strand). VCF-style: chr12-88068527-G-A. GRCh37 (hg19) VCF-style: chr12-88462304-G-A.
Other names: short protein forms P2044S.
Identifiers: ClinVar variation 1362129 (VCV001362129.8), dbSNP rs750159998, ClinGen allele CA385981858.
Genomic context (GRCh38, chr12:88,068,527, plus strand): 5'-TTTCATGCATTTTAACATGGAAAAAAGAAAAAAATAATAAAAGATATACACTTACTGAAG[G>A]CTTAGAATATGTATCCTTTGAAAACTGTTTTTCTAAAGCATGAAGTTTTTCTTGGAGGTA-3'
Protein context (NP_079390.3, residues 2034-2054): KQFSKDTYSK[Pro2044Ser]SISGIESDDH